The following is an entry in ClinVar:

ClinVar aggregate classification (germline): Likely benign (1 of 4 stars; one submission).

Allele frequency attached by ClinVar (database versions not stated): gnomAD 0.00004; TOPMed 0.00005; ExAC 0.00007; gnomAD exomes 0.00011; 1000 Genomes Project 0.00020; 1000 Genomes Project 30x 0.00031.
gnomAD v4.1: 176 of 1,609,596 alleles (0.011%); highest among the groups gnomAD compares: Admixed American, 0.02%; no homozygotes.

Submission:

CeGaT Center for Human Genetics Tuebingen
Classification: Likely benign. Last evaluated: 2022-11-01. Review status: criteria provided, single submitter. Criteria: CeGaT Center For Human Genetics Tuebingen Variant Classification Criteria Version 2. Collection method: clinical testing. Allele origin: germline. Affected: yes. Observed: 1 variant allele.
Comment: SLIT1: BP4, BP7

NM_003061.3(SLIT1):c.4182C>T (p.Leu1394=)

Gene: SLIT1 (slit guidance ligand 1; minus strand). Cytogenetic location: 10q24.1.
Variant type: single nucleotide variant.
Coding change: c.4182C>T on transcript NM_003061.3 (MANE Select); coding-DNA position 4182, C replaced by T.
Protein change: p.Leu1394=; no amino-acid change (leucine 1394 retained).
Molecular consequence: synonymous variant.
Genome position (GRCh38, 1-based): chr10:97,002,342, G>A on the plus strand (C>T on the coding strand, the complement: SLIT1 is on the minus strand). VCF-style: chr10-97002342-G-A. GRCh37 (hg19) VCF-style: chr10-98762099-G-A.
Identifiers: ClinVar variation 2640732 (VCV002640732.24), dbSNP rs199870948, ClinGen allele CA5627697.